The following is an entry in ClinVar:

NM_024596.5(MCPH1):c.1402dup (p.Thr468fs)

Gene: MCPH1 (microcephalin 1; plus strand). Cytogenetic location: 8p23.1.
Variant type: Duplication.
Coding change: c.1402dup on transcript NM_024596.5 (MANE Select); coding-DNA position 1402, one base duplicated (A; older notation c.1402dupA).
Protein change: p.Thr468fs; shifts the reading frame from threonine 468.
Molecular consequence: frameshift variant. On other transcripts: non-coding transcript variant (1).
Genome position (GRCh38, 1-based): chr8:6,445,124, A duplicated; the last of 7 consecutive A bases (chr8:6,445,118-6,445,124); duplicating any one gives the same sequence. VCF-style (leftmost placement, unchanged base first): chr8-6445117-C-CA. GRCh37 (hg19) VCF-style: chr8-6302638-C-CA.
Other names: c.1402dup, p.Thr468fs (NM_001172574.2, NM_001322042.2, NM_001363979.1 and 3 more transcripts); c.1258dup, p.Thr420fs (NM_001172575.2); c.1396dup, p.Thr466fs (NM_001322043.2); c.1300dup, p.Thr434fs (NM_001322045.2); c.1402dupA (NM_024596.5); short protein forms T420fs, T434fs, T466fs, T468fs.
Identifiers: ClinVar variation 4688548 (VCV004688548.1).

ClinVar aggregate classification (germline): Uncertain significance (1 of 4 stars; one submission).

Submission:

Women's Health and Genetics/Laboratory Corporation of America, LabCorp
Classification: Uncertain significance. Last evaluated: 2025-12-05. Review status: criteria provided, single submitter. Criteria: LabCorp Variant Classification Summary - May 2015. Collection method: clinical testing. Allele origin: germline.
Comment: Variant summary: MCPH1 c.1402dupA (p.Thr468AsnfsX5) results in a premature termination codon, predicted to cause a truncation of the encoded protein or absence of the protein, which are commonly known mechanisms for disease. However, it is currently unclear if variants that occur in this region of the gene cause disease. The variant allele was found at a frequency of 1.2e-05 in 249386 control chromosomes. The available data on variant occurrences in the general population are insufficient to allow any conclusion about variant significance. To our knowledge, no occurrence of c.1402dupA in individuals affected with MCPH1-related conditions and no experimental evidence demonstrating its impact on protein function have been reported. No submitters have cited clinical-significance assessments for this variant to ClinVar. Based on the evidence outlined above, the variant was classified as uncertain significance.